The following is an entry in ClinVar:

ClinVar aggregate classification (germline): Likely pathogenic (1 of 4 stars; one submission).

gnomAD v4.1: 19 of 1,613,520 alleles (0.0012%); highest among the groups gnomAD compares: East Asian, 0.0022%; no homozygotes.

Submission:

Genetics Laboratory, UDIAT-Centre Diagnòstic, Hospital Universitari Parc Tauli
Classification: Likely pathogenic. Last evaluated: 2021-04-26. Review status: criteria provided, single submitter. Criteria: Parc Tauli Hospital Assertion Criteria 2021. Collection method: clinical testing. Allele origin: paternal. Inheritance: Autosomal recessive inheritance. Affected: yes. Observed: 1 compound heterozygote.
Comment: PM2_supporting;PM3_moderate;PM5_supporting;PP3_supporting;BP1_supporting

NM_001519.4(BRF1):c.875C>G (p.Pro292Arg)

Gene: BRF1 (BRF1 general transcription factor IIIB subunit; minus strand). Cytogenetic location: 14q32.33.
Variant type: single nucleotide variant.
Coding change: c.875C>G on transcript NM_001519.4 (MANE Select); coding-DNA position 875, C replaced by G.
Protein change: p.Pro292Arg; replaces proline 292 with arginine.
Molecular consequence: missense variant.
Genome position (GRCh38, 1-based): chr14:105,226,674, G>C on the plus strand (C>G on the coding strand, the complement: BRF1 is on the minus strand). VCF-style: chr14-105226674-G-C. GRCh37 (hg19) VCF-style: chr14-105693011-G-C.
Other names: c.530C>G, p.Pro177Arg (NM_001242786.2, NM_001242787.2); c.794C>G, p.Pro265Arg (NM_001242788.2); c.161C>G, p.Pro54Arg (NM_001242789.2); c.263C>G, p.Pro88Arg (NM_145685.3); short protein forms P177R, P265R, P292R, P54R, P88R.
Identifiers: ClinVar variation 1098378 (VCV001098378.2), dbSNP rs606231450, ClinGen allele CA391199073.